The following is an entry in ClinVar:

NM_177438.3(DICER1):c.903+3A>G

Gene: DICER1 (dicer 1, ribonuclease III; minus strand). Cytogenetic location: 14q32.13.
Variant type: single nucleotide variant.
Coding change: c.903+3A>G on transcript NM_177438.3 (MANE Select); 3 bases into the intron after coding-DNA position 903, A replaced by G.
Molecular consequence: intron variant.
Genome position (GRCh38, 1-based): chr14:95,126,577, T>C on the plus strand (A>G on the coding strand, the complement: DICER1 is on the minus strand). VCF-style: chr14-95126577-T-C. GRCh37 (hg19) VCF-style: chr14-95592914-T-C.
Other names: c.903+3A>G (NM_001395694.1, NM_001395693.1, NM_001395695.1 and 14 more transcripts); c.498+3A>G (NM_001395696.1, NM_001395698.1, NM_001395690.1 and 3 more transcripts); c.621+3A>G (NM_001395686.1); c.336+3A>G (NM_001395691.1); c.-666+3A>G (NM_001395697.1).
Identifiers: ClinVar variation 1956642 (VCV001956642.5), dbSNP rs2543226998, ClinGen allele CA2580089176.

ClinVar aggregate classification (germline): Uncertain significance (1 of 4 stars; one submission).

Conditions:
DICER1-related tumor predisposition. Also called: DICER1-related pleuropulmonary blastoma cancer predisposition syndrome; DICER1 syndrome. Identifiers: Orphanet 284343, MedGen C3839822, MONDO:0100216.

Submission:

Labcorp Genetics (formerly Invitae), Labcorp
Classification: Uncertain significance for DICER1-related tumor predisposition. Last evaluated: 2022-02-19. Review status: criteria provided, single submitter. Criteria: Invitae Variant Classification Sherloc (09022015). Collection method: clinical testing. Allele origin: germline.
Comment: This sequence change falls in intron 7 of the DICER1 gene. It does not directly change the encoded amino acid sequence of the DICER1 protein. It affects a nucleotide within the consensus splice site. In summary, the available evidence is currently insufficient to determine the role of this variant in disease. Therefore, it has been classified as a Variant of Uncertain Significance. Variants that disrupt the consensus splice site are a relatively common cause of aberrant splicing (PMID: 17576681, 9536098). Algorithms developed to predict the effect of sequence changes on RNA splicing suggest that this variant is not likely to affect RNA splicing. This variant has not been reported in the literature in individuals affected with DICER1-related conditions. This variant is not present in population databases (gnomAD no frequency).

Literature cited by the submitters: PubMed 17576681; PubMed 9536098.